The following is an entry in ClinVar:

ClinVar aggregate classification (germline): Uncertain significance. Review status: criteria provided, multiple submitters, no conflicts (2 of 4 stars). 2 submissions from 2 submitters: Uncertain significance (2). Last evaluated 2024-12-03.

Conditions:
NR1H4-related disorder. Also called: NR1H4-related condition.

Submissions (2):

PreventionGenetics, part of Exact Sciences
Classification: Uncertain significance for NR1H4-related condition. Last evaluated: 2024-12-03. Review status: criteria provided, single submitter. Criteria: ACMG Guidelines, 2015. Collection method: clinical testing. Allele origin: germline.
Comment: The NR1H4 c.586+2T>C variant is predicted to disrupt the GT donor site and interfere with normal splicing. To our knowledge, this variant has not been reported in the literature or in a large population database (gnomAD), indicating this variant is rare. If this nucleotide change causes skipping of exon 5 due to weakening of the canonical donor splice site, this may result in a large, in-frame deletion. Although we suspect that this variant may be pathogenic, at this time, the clinical significance of this variant is uncertain due to the absence of conclusive functional and genetic evidence.

Eurofins Ntd Llc (ga)
Classification: Uncertain significance. Last evaluated: 2018-01-10. Review status: criteria provided, single submitter. Criteria: EGL Classification Definitions 2015. Collection method: clinical testing. Allele origin: germline. Observed: 1 variant allele, 1 heterozygote.

NM_001206979.2(NR1H4):c.588T>C (p.Cys196=)

Gene: NR1H4 (nuclear receptor subfamily 1 group H member 4; plus strand). Cytogenetic location: 12q23.1.
Variant type: single nucleotide variant.
Coding change: c.588T>C on transcript NM_001206979.2 (MANE Select); coding-DNA position 588, T replaced by C.
Protein change: p.Cys196=; no amino-acid change (cysteine 196 retained).
Molecular consequence: synonymous variant. On other transcripts: splice donor variant (2), intron variant (1).
Genome position (GRCh38, 1-based): chr12:100,532,600, T>C. VCF-style: chr12-100532600-T-C. GRCh37 (hg19) VCF-style: chr12-100926378-T-C.
Other names: c.588T>C, p.Cys196= (NM_001206977.2); c.618T>C, p.Cys206= (NM_001206993.2); c.586+2T>C (NM_005123.4, NM_005123.3); c.446-2290T>C (NM_001206978.2); c.616+2T>C (NM_001206992.2).
Identifiers: ClinVar variation 595649 (VCV000595649.6), dbSNP rs1566461978, ClinGen allele CA386227554.
Genomic context (GRCh38, chr12:100,532,600, plus strand): 5'-AAGAAAGTGTCAAGAGTGTCGACTAAGGAAATGCAAAGAGATGGGAATGTTGGCTGAATG[T>C]ATGTATACAGGTATTCACTTCAAGCAATTACATTTCACTAAAAATCTCTTAAGGAGGCAG-3'
Protein context (NP_001193908.1, residues 186-206): KCKEMGMLAE[Cys196=]MYTGLLTEIQ